The following is an entry in ClinVar:

ClinVar aggregate classification (germline): Uncertain significance (1 of 4 stars; one submission).

gnomAD v4.1: 3 of 1,610,860 alleles (0.00019%); highest among the groups gnomAD compares: Non-Finnish European, 0.00025%; no homozygotes.

Submission:

Labcorp Genetics (formerly Invitae), Labcorp
Classification: Uncertain significance. Last evaluated: 2022-06-13. Review status: criteria provided, single submitter. Criteria: Invitae Variant Classification Sherloc (09022015). Collection method: clinical testing. Allele origin: germline.
Comment: In summary, the available evidence is currently insufficient to determine the role of this variant in disease. Therefore, it has been classified as a Variant of Uncertain Significance. Algorithms developed to predict the effect of sequence changes on RNA splicing suggest that this variant may create or strengthen a splice site. Algorithms developed to predict the effect of missense changes on protein structure and function are either unavailable or do not agree on the potential impact of this missense change (SIFT: "Deleterious"; PolyPhen-2: "Probably Damaging"; Align-GVGD: "Class C0"). This variant has not been reported in the literature in individuals affected with RTTN-related conditions. This variant is present in population databases (rs778494442, gnomAD 0.0009%). This sequence change replaces glycine, which is neutral and non-polar, with valine, which is neutral and non-polar, at codon 661 of the RTTN protein (p.Gly661Val).

NM_173630.4(RTTN):c.1982G>T (p.Gly661Val)

Gene: RTTN (rotatin; minus strand). Cytogenetic location: 18q22.2.
Variant type: single nucleotide variant.
Coding change: c.1982G>T on transcript NM_173630.4 (MANE Select); coding-DNA position 1982, G replaced by T.
Protein change: p.Gly661Val; replaces glycine 661 with valine.
Molecular consequence: missense variant. On other transcripts: 5 prime UTR variant (1).
Genome position (GRCh38, 1-based): chr18:70,150,681, C>A on the plus strand (G>T on the coding strand, the complement: RTTN is on the minus strand). VCF-style: chr18-70150681-C-A. GRCh37 (hg19) VCF-style: chr18-67817917-C-A.
Other names: c.-666G>T (NM_001318520.2); short protein forms G661V.
Identifiers: ClinVar variation 1482666 (VCV001482666.6), dbSNP rs778494442, ClinGen allele CA8996016.